The following is an entry in ClinVar:

NM_000199.5(SGSH):c.822C>G (p.Asn274Lys)

Gene: SGSH (N-sulfoglucosamine sulfohydrolase; minus strand). Cytogenetic location: 17q25.3.
Variant type: single nucleotide variant.
Coding change: c.822C>G on transcript NM_000199.5 (MANE Select); coding-DNA position 822, C replaced by G.
Protein change: p.Asn274Lys; replaces asparagine 274 with lysine.
Molecular consequence: missense variant. On other transcripts: non-coding transcript variant (1).
Genome position (GRCh38, 1-based): chr17:80,212,198, G>C on the plus strand (C>G on the coding strand, the complement: SGSH is on the minus strand). VCF-style: chr17-80212198-G-C. GRCh37 (hg19) VCF-style: chr17-78185997-G-C.
Other names: p.Asn274Lys; c.822C>G, p.Asn274Lys (NM_001352921.3, NM_001352922.2); short protein forms N274K.
Identifiers: ClinVar variation 3256113 (VCV003256113.4).

ClinVar aggregate classification (germline): Conflicting classifications of pathogenicity. Review status: criteria provided, conflicting classifications (1 of 4 stars). 2 submissions from 2 submitters: Likely pathogenic (1); Uncertain significance (1). Last evaluated 2024-08-24.

Conditions:
Mucopolysaccharidosis, MPS-III-A (MPS3A). Also called: HEPARAN SULFATE SULFATASE DEFICIENCY; SANFILIPPO SYNDROME A; SULFAMIDASE DEFICIENCY; MPS III A; Mucopolysaccharidosis, type IIIA; mucopolysaccharidosis type 3A. Identifiers: Orphanet 581, Orphanet 79269, MedGen C0086647, MONDO:0009655, OMIM 252900.

gnomAD v4.1: 1 of 1,613,424 alleles (0.000062%); highest among the groups gnomAD compares: South Asian, 0.0011%; no homozygotes.

Submissions (2):

Labcorp Genetics (formerly Invitae), Labcorp
Classification: Uncertain significance for Mucopolysaccharidosis, MPS-III-A. Last evaluated: 2024-08-24. Review status: criteria provided, single submitter. Criteria: Invitae Variant Classification Sherloc (09022015). Collection method: clinical testing. Allele origin: germline.
Comment: This sequence change replaces asparagine, which is neutral and polar, with lysine, which is basic and polar, at codon 274 of the SGSH protein (p.Asn274Lys). This variant is present in population databases (no rsID available, gnomAD 0.003%). This missense change has been observed in individual(s) with mucopolysaccharidosis (PMID: 35005816). Invitae Evidence Modeling of protein sequence and biophysical properties (such as structural, functional, and spatial information, amino acid conservation, physicochemical variation, residue mobility, and thermodynamic stability) has been performed for this missense variant. However, the output from this modeling did not meet the statistical confidence thresholds required to predict the impact of this variant on SGSH protein function. This variant disrupts the p.Asn274 amino acid residue in SGSH. Other variant(s) that disrupt this residue have been observed in individuals with SGSH-related conditions (PMID: 29023963), which suggests that this may be a clinically significant amino acid residue. In summary, the available evidence is currently insufficient to determine the role of this variant in disease. Therefore, it has been classified as a Variant of Uncertain Significance.

Foundation for Research in Genetics and Endocrinology, FRIGE's Institute of Human Genetics
Classification: Likely pathogenic for Mucopolysaccharidosis, MPS-III-A. Last evaluated: 2024-07-29. Review status: criteria provided, single submitter. Criteria: ACMG Guidelines, 2015. Collection method: clinical testing. Allele origin: germline. Inheritance: Autosomal recessive inheritance. Affected: yes. Observed: 1 homozygote.
Comment: A homozygous missense variant in exon 7 of the SGSH gene that results in the amino acid substitution of Lysine for Asparagine at codon 274 was detected. The p.Asn274Lys variant has not been reported in the 1000 genomes and has MAF of 0.0033% in gnomAD databases. Another variant c.820A>G (p.N274D) affecting the same codon has been reported previously in the patient with MPS IIIA (PMID: 29023963). The in silico predictions of the variant is disease causing by MutationTaster2, DANN, FATHMM and MetaLR. The reference codon is conserved across species. In summary, the variant meets our criteria to be classified has likely pathogenic.

Literature cited by the submitters: PubMed 35005816 (cited by Labcorp Genetics (formerly Invitae), Labcorp); PubMed 29023963 (cited by Labcorp Genetics (formerly Invitae), Labcorp).